The following is an entry in ClinVar:

NM_007055.4(POLR3A):c.790C>A (p.Pro264Thr)

Gene: POLR3A (RNA polymerase III subunit A; minus strand). Cytogenetic location: 10q22.3.
Variant type: single nucleotide variant.
Coding change: c.790C>A on transcript NM_007055.4 (MANE Select); coding-DNA position 790, C replaced by A.
Protein change: p.Pro264Thr; replaces proline 264 with threonine.
Molecular consequence: missense variant.
Genome position (GRCh38, 1-based): chr10:78,022,240, G>T on the plus strand (C>A on the coding strand, the complement: POLR3A is on the minus strand). VCF-style: chr10-78022240-G-T. GRCh37 (hg19) VCF-style: chr10-79781998-G-T.
Other names: short protein forms P264T.
Identifiers: ClinVar variation 2854799 (VCV002854799.3), dbSNP rs2493238740, ClinGen allele CA377345239.

ClinVar aggregate classification (germline): Uncertain significance (1 of 4 stars; one submission).

Submission:

Labcorp Genetics (formerly Invitae), Labcorp
Classification: Uncertain significance. Last evaluated: 2024-06-03. Review status: criteria provided, single submitter. Criteria: Invitae Variant Classification Sherloc (09022015). Collection method: clinical testing. Allele origin: germline.
Comment: This sequence change replaces proline, which is neutral and non-polar, with threonine, which is neutral and polar, at codon 264 of the POLR3A protein (p.Pro264Thr). This variant is not present in population databases (gnomAD no frequency). This variant has not been reported in the literature in individuals affected with POLR3A-related conditions. Advanced modeling of protein sequence and biophysical properties (such as structural, functional, and spatial information, amino acid conservation, physicochemical variation, residue mobility, and thermodynamic stability) performed at Invitae indicates that this missense variant is expected to disrupt POLR3A protein function with a positive predictive value of 80%. In summary, the available evidence is currently insufficient to determine the role of this variant in disease. Therefore, it has been classified as a Variant of Uncertain Significance.